The following is an entry in ClinVar:

ClinVar aggregate classification (germline): Benign/Likely benign. Review status: criteria provided, multiple submitters, no conflicts (2 of 4 stars). 3 submissions from 3 submitters: Benign (1); Likely benign (2). Last evaluated 2025-12-17.

Conditions:
X-linked lymphoproliferative disease due to XIAP deficiency. Also called: XIAP-Related Lymphoproliferative Disease, X-Linked; XIAP DEFICIENCY. Identifiers: Orphanet 2442, Orphanet 538934, MedGen C1845076, MONDO:0010385, OMIM 300635.

Allele frequency attached by ClinVar (database versions not stated): gnomAD 0.00001; TOPMed 0.00002; gnomAD exomes 0.00004 and 0.00008; ExAC 0.00014; 1000 Genomes Project 30x 0.00021; 1000 Genomes Project 0.00026.
gnomAD v4.1: 41 of 1,183,294 alleles (0.0035%); highest among the groups gnomAD compares: South Asian, 0.055%; no homozygotes.

Submissions (3):

Mayo Clinic Laboratories, Mayo Clinic
Classification: Likely benign. Last evaluated: 2025-12-17. Review status: criteria provided, single submitter. Criteria: ACMG Guidelines, 2015. Collection method: clinical testing. Allele origin: germline. Observed: 1 variant allele.
Comment: BS2, BP4_moderate

Labcorp Genetics (formerly Invitae), Labcorp
Classification: Benign for X-linked lymphoproliferative disease due to XIAP deficiency. Last evaluated: 2025-05-21. Review status: criteria provided, single submitter. Criteria: Invitae Variant Classification Sherloc (09022015). Collection method: clinical testing. Allele origin: germline.

CeGaT Center for Human Genetics Tuebingen
Classification: Likely benign. Last evaluated: 2022-10-01. Review status: criteria provided, single submitter. Criteria: CeGaT Center For Human Genetics Tuebingen Variant Classification Criteria Version 2. Collection method: clinical testing. Allele origin: germline. Affected: yes. Observed: 1 variant allele.
Comment: XIAP: BS2

NM_001167.4(XIAP):c.1096A>G (p.Ile366Val)

Gene: XIAP (X-linked inhibitor of apoptosis; plus strand). Cytogenetic location: Xq25.
Variant type: single nucleotide variant.
Coding change: c.1096A>G on transcript NM_001167.4 (MANE Select); coding-DNA position 1096, A replaced by G.
Protein change: p.Ile366Val; replaces isoleucine 366 with valine.
Molecular consequence: missense variant. On other transcripts: non-coding transcript variant (2).
Genome position (GRCh38, 1-based): chrX:123,892,770, A>G. VCF-style: chrX-123892770-A-G. GRCh37 (hg19) VCF-style: chrX-123026620-A-G.
Other names: p.Ile366Val; c.1096A>G, p.Ile366Val (NM_001204401.2, NM_001378590.1, NM_001378591.1 and 1 more transcripts); c.1096A>G (NM_001167.3); short protein forms I366V.
Identifiers: ClinVar variation 1656518 (VCV001656518.33), dbSNP rs766720607, ClinGen allele CA10508122.